The following is an entry in ClinVar:

NM_001723.7(DST):c.7755A>G (p.Ile2585Met)

Gene: DST (dystonin; minus strand). Cytogenetic location: 6p12.1.
Variant type: single nucleotide variant.
Coding change: c.7755A>G on transcript NM_001723.7 (MANE Plus Clinical); coding-DNA position 7755, A replaced by G.
Protein change: p.Ile2585Met; replaces isoleucine 2585 with methionine.
Molecular consequence: missense variant. On other transcripts: intron variant (10).
Genome position (GRCh38, 1-based): chr6:56,615,712, T>C on the plus strand (A>G on the coding strand, the complement: DST is on the minus strand). VCF-style: chr6-56615712-T-C. GRCh37 (hg19) VCF-style: chr6-56480510-T-C.
Other names: c.4831-1228A>G (NM_001144769.5); c.4930-1228A>G (NM_001374722.1, NM_001374736.1); c.4957-1228A>G (NM_001374734.1); c.4417-1228A>G (NM_001144770.2); c.4297-1228A>G (NM_001374730.1, NM_001386100.1, NM_183380.4 and 1 more transcripts); c.3319-1228A>G (NM_015548.5); short protein forms I2585M.
Identifiers: ClinVar variation 1043241 (VCV001043241.5), dbSNP rs376353954, ClinGen allele CA3869903.

ClinVar aggregate classification (germline): Uncertain significance (1 of 4 stars; one submission).

Conditions:
Epidermolysis bullosa simplex 3, localized or generalized intermediate, with BP230 deficiency (EBS3). Also called: Epidermolysis bullosa simplex, autosomal recessive 2; Epidermolysis bullosa simplex due to BP230 deficiency. Identifiers: Orphanet 412181, MedGen C3809470, MONDO:0014180, OMIM 615425.
Hereditary sensory and autonomic neuropathy type 6. Also called: Neuropathy, hereditary sensory and autonomic, type VI; HSAN VI. Identifiers: Orphanet 314381, MedGen C3539003, MONDO:0013839, OMIM 614653.

Allele frequency attached by ClinVar (database versions not stated): gnomAD exomes 0.00001 and 0.00002; ExAC 0.00002; TOPMed 0.00002; gnomAD 0.00003 and 0.00004; ESP Exome Variant Server 0.00008.
gnomAD v4.1: 29 of 1,614,096 alleles (0.0018%); highest among the groups gnomAD compares: South Asian, 0.0011%; no homozygotes.

Submission:

Labcorp Genetics (formerly Invitae), Labcorp
Classification: Uncertain significance for Epidermolysis bullosa simplex 3, localized or generalized intermediate, with BP230 deficiency; Hereditary sensory and autonomic neuropathy type 6. Last evaluated: 2022-03-11. Review status: criteria provided, single submitter. Criteria: Invitae Variant Classification Sherloc (09022015). Collection method: clinical testing. Allele origin: germline.
Comment: In summary, the available evidence is currently insufficient to determine the role of this variant in disease. Therefore, it has been classified as a Variant of Uncertain Significance. Algorithms developed to predict the effect of missense changes on protein structure and function are either unavailable or do not agree on the potential impact of this missense change (SIFT: "Deleterious"; PolyPhen-2: "Probably Damaging"; Align-GVGD: "Class C0"). ClinVar contains an entry for this variant (Variation ID: 1043241). This variant has not been reported in the literature in individuals affected with DST-related conditions. This variant is present in population databases (rs376353954, gnomAD 0.03%). This sequence change replaces isoleucine, which is neutral and non-polar, with methionine, which is neutral and non-polar, at codon 2585 of the DST protein (p.Ile2585Met).